The following is an entry in ClinVar:

NM_000702.4(ATP1A2):c.495+96G>A

Gene: ATP1A2 (ATPase Na+/K+ transporting subunit alpha 2; plus strand). Cytogenetic location: 1q23.2.
Variant type: single nucleotide variant.
Coding change: c.495+96G>A on transcript NM_000702.4 (MANE Select); 96 bases into the intron after coding-DNA position 495, G replaced by A.
Molecular consequence: intron variant.
Genome position (GRCh38, 1-based): chr1:160,124,152, G>A. VCF-style: chr1-160124152-G-A. GRCh37 (hg19) VCF-style: chr1-160093942-G-A.
Identifiers: ClinVar variation 674717 (VCV000674717.7), dbSNP rs17846707, ClinGen allele CA10849143.

ClinVar aggregate classification (germline): Benign. Review status: criteria provided, multiple submitters, no conflicts (2 of 4 stars). 7 submissions from 4 submitters: Benign (7). Last evaluated 2024-07-31.

Conditions:
Fetal akinesia, respiratory insufficiency, microcephaly, polymicrogyria, and dysmorphic facies. Identifiers: MedGen C5562015, MONDO:0859204, OMIM 619602.
Alternating hemiplegia of childhood 1 (AHC1). Identifiers: Orphanet 2131, MedGen C3549447, MONDO:0007087, OMIM 104290.
Migraine, familial hemiplegic, 2. Identifiers: Orphanet 569, MedGen C1865322, MONDO:0011232, OMIM 602481.
Developmental and epileptic encephalopathy 98. Identifiers: MedGen C5562017, MONDO:0030472, OMIM 619605.

Allele frequency attached by ClinVar (database versions not stated): TOPMed 0.14854; gnomAD 0.15041 and 0.15557; 1000 Genomes Project 30x 0.16943; 1000 Genomes Project 0.17272; gnomAD exomes 0.18558.
gnomAD v4.1: 285,926 of 1,566,028 alleles (18%); highest among the groups gnomAD compares: South Asian, 30%; 27,762 homozygotes.

Submissions (7):

Unidad de Genómica Garrahan, Hospital de Pediatría Garrahan
Classification: Benign. Last evaluated: 2024-07-31. Review status: criteria provided, single submitter. Criteria: ACMG Guidelines, 2015. Collection method: clinical testing. Allele origin: germline. Affected: no. Observed: 20 variant alleles.
Comment: This variant is classified as Benign based on local population frequency. This variant was detected in 22% of patients studied in a panel designed for Epileptic and Developmental Encephalopathy, Progressive Myoclonus Epilepsy and Abnormal Movements and Neurodegeneration with brain iron accumulation. Number of patients: 20. Only high quality variants are reported.

Genome-Nilou Lab
Classification: Benign for Developmental and epileptic encephalopathy 98. Last evaluated: 2021-12-05. Review status: criteria provided, single submitter. Criteria: ACMG Guidelines, 2015. Collection method: clinical testing. Allele origin: germline. Affected: no.

Genome-Nilou Lab
Classification: Benign for Fetal akinesia, respiratory insufficiency, microcephaly, polymicrogyria, and dysmorphic facies. Last evaluated: 2021-12-05. Review status: criteria provided, single submitter. Criteria: ACMG Guidelines, 2015. Collection method: clinical testing. Allele origin: germline. Affected: no.

Genome-Nilou Lab
Classification: Benign for Migraine, familial hemiplegic, 2. Last evaluated: 2021-12-05. Review status: criteria provided, single submitter. Criteria: ACMG Guidelines, 2015. Collection method: clinical testing. Allele origin: germline. Affected: no.

Genome-Nilou Lab
Classification: Benign for Alternating hemiplegia of childhood 1. Last evaluated: 2021-07-14. Review status: criteria provided, single submitter. Criteria: ACMG Guidelines, 2015. Collection method: clinical testing. Allele origin: germline. Affected: no.

GeneDx
Classification: Benign. Last evaluated: 2018-06-14. Review status: criteria provided, single submitter. Criteria: GeneDx Variant Classification (06012015). Collection method: clinical testing. Allele origin: germline. Affected: yes.
Comment: This variant is considered likely benign or benign based on one or more of the following criteria: it is a conservative change, it occurs at a poorly conserved position in the protein, it is predicted to be benign by multiple in silico algorithms, and/or has population frequency not consistent with disease.

Breakthrough Genomics
Classification: Benign. Review status: criteria provided, single submitter. Criteria: ACMG Guidelines, 2015. Collection method: not provided. Allele origin: germline. Inheritance: Autosomal recessive inheritance. Affected: yes.